The following is an entry in ClinVar:

ClinVar aggregate classification (germline): Conflicting classifications of pathogenicity. Review status: criteria provided, conflicting classifications (1 of 4 stars). 3 submissions from 2 submitters: Uncertain significance (2); Likely benign (1). Last evaluated 2024-11-06.

Conditions:
Inborn genetic diseases. Identifiers: MedGen C0950123, MeSH D030342.
Hereditary angioedema type 3 (HAE3). Also called: ANGIONEUROTIC EDEMA, HEREDITARY, WITH NORMAL C1 INHIBITOR CONCENTRATION AND FUNCTION; ESTROGEN-RELATED HAE; ESTROGEN-SENSITIVE HAE; HAE WITH NORMAL C1 INHIBITOR CONCENTRATION AND FUNCTION. Identifiers: Orphanet 100054, MedGen C1857728, MONDO:0012526, OMIM 610618.
Factor XII deficiency disease. Also called: Congenital factor XII deficiency; Reduced factor XII activity; F12 DEFICIENCY; HAF DEFICIENCY. Identifiers: Orphanet 330, MedGen C0015526, MONDO:0009315, OMIM 234000, HP:0004841.

Allele frequency attached by ClinVar (database versions not stated): gnomAD 0.00001; gnomAD exomes 0.00002 and 0.00004; ExAC 0.00003; TOPMed 0.00003.
gnomAD v4.1: 64 of 1,612,996 alleles (0.004%); highest among the groups gnomAD compares: Non-Finnish European, 0.0047%; no homozygotes.

Submissions (3):

Ambry Genetics
Classification: Uncertain significance for Inborn genetic diseases. Last evaluated: 2024-11-06. Review status: criteria provided, single submitter. Criteria: Ambry Variant Classification Scheme 2023. Collection method: clinical testing. Allele origin: germline.

Illumina Laboratory Services, Illumina
Classification: Uncertain significance for Factor XII deficiency disease. Last evaluated: 2018-01-13. Review status: criteria provided, single submitter. Criteria: ICSL Variant Classification Criteria 13 December 2019. Collection method: clinical testing. Allele origin: germline.

Illumina Laboratory Services, Illumina
Classification: Likely benign for Hereditary angioedema type 3. Last evaluated: 2018-01-13. Review status: criteria provided, single submitter. Criteria: ICSL Variant Classification Criteria 13 December 2019. Collection method: clinical testing. Allele origin: germline.
Comment: This variant was observed in the ICSL laboratory as part of a predisposition screen in an ostensibly healthy population. It had not been previously curated by ICSL or reported in the Human Gene Mutation Database (HGMD: prior to June 1st, 2018), and was therefore a candidate for classification through an automated scoring system. Utilizing variant allele frequency, disease prevalence and penetrance estimates, and inheritance mode, an automated score was calculated to assess if this variant is too frequent to cause the disease. Based on the score and internal cut-off values, a variant classified as likely benign is not then subjected to further curation. The score for this variant resulted in a classification of likely benign for this disease.

NM_000505.4(F12):c.293G>A (p.Cys98Tyr)

Gene: F12 (coagulation factor XII; minus strand). Cytogenetic location: 5q35.3.
Variant type: single nucleotide variant.
Coding change: c.293G>A on transcript NM_000505.4 (MANE Select); coding-DNA position 293, G replaced by A.
Protein change: p.Cys98Tyr; replaces cysteine 98 with tyrosine.
Molecular consequence: missense variant.
Genome position (GRCh38, 1-based): chr5:177,405,427, C>T on the plus strand (G>A on the coding strand, the complement: F12 is on the minus strand). VCF-style: chr5-177405427-C-T. GRCh37 (hg19) VCF-style: chr5-176832428-C-T.
Other names: short protein forms C98Y.
Identifiers: ClinVar variation 907866 (VCV000907866.5), dbSNP rs770412757, ClinGen allele CA3581528.